The following is an entry in ClinVar:

ClinVar aggregate classification (germline): Uncertain significance (1 of 4 stars; one submission).

Submission:

Labcorp Genetics (formerly Invitae), Labcorp
Classification: Uncertain significance. Last evaluated: 2025-11-11. Review status: criteria provided, single submitter. Criteria: Invitae Variant Classification Sherloc (09022015). Collection method: clinical testing. Allele origin: germline.
Comment: This sequence change replaces cysteine, which is neutral and slightly polar, with serine, which is neutral and polar, at codon 1015 of the NSD1 protein (p.Cys1015Ser). This variant is not present in population databases (gnomAD no frequency). This variant has not been reported in the literature in individuals affected with NSD1-related conditions. ClinVar contains an entry for this variant (Variation ID: 3714457). Invitae Evidence Modeling of protein sequence and biophysical properties (such as structural, functional, and spatial information, amino acid conservation, physicochemical variation, residue mobility, and thermodynamic stability) indicates that this missense variant is not expected to disrupt NSD1 protein function with a negative predictive value of 95%. In summary, the available evidence is currently insufficient to determine the role of this variant in disease. Therefore, it has been classified as a Variant of Uncertain Significance.

NM_022455.5(NSD1):c.3044G>C (p.Cys1015Ser)

Gene: NSD1 (nuclear receptor binding SET domain protein 1; plus strand). Cytogenetic location: 5q35.3.
Variant type: single nucleotide variant.
Coding change: c.3044G>C on transcript NM_022455.5 (MANE Select); coding-DNA position 3044, G replaced by C.
Protein change: p.Cys1015Ser; replaces cysteine 1015 with serine.
Molecular consequence: missense variant.
Genome position (GRCh38, 1-based): chr5:177,211,443, G>C. VCF-style: chr5-177211443-G-C. GRCh37 (hg19) VCF-style: chr5-176638444-G-C.
Other names: c.2171G>C, p.Cys724Ser (NM_001365684.2, NM_001409306.1, NM_001409307.1 and 3 more transcripts); c.3044G>C, p.Cys1015Ser (NM_001409301.1, NM_001409302.1, NM_001409303.1); c.2624G>C, p.Cys875Ser (NM_001409304.1); c.2291G>C, p.Cys764Ser (NM_001409305.1); short protein forms C1015S, C875S, C724S, C764S.
Identifiers: ClinVar variation 3714457 (VCV003714457.2).
Genomic context (GRCh38, chr5:177,211,443, plus strand): 5'-TACCTGGCTTACTGTCCGACAAGAGAGACCTCCCTGCTTCTGGTAAAAGTCGTTCAGACT[G>C]TGTTACTAGGCGCAACTGTGGACGATCAAAGCCTTCATCCAAATTGCGAGATGCTTTTTC-3'
Protein context (NP_071900.2, residues 1005-1025): LPASGKSRSD[Cys1015Ser]VTRRNCGRSK